The following is an entry in ClinVar:

ClinVar aggregate classification (germline): Conflicting classifications of pathogenicity. Review status: criteria provided, conflicting classifications (1 of 4 stars). 2 submissions from 2 submitters: Uncertain significance (1); Likely benign (1). Last evaluated 2025-07-28.

Conditions:
Inborn genetic diseases. Identifiers: MedGen C0950123, MeSH D030342.
STING-associated vasculopathy with onset in infancy. Also called: Sting-associated vasculopathy, infantile-onset. Identifiers: Orphanet 425120, MedGen C4014722, MONDO:0014405, OMIM 615934.

Allele frequency attached by ClinVar (database versions not stated): TOPMed below 0.00001; gnomAD 0.00001.

Submissions (2):

Labcorp Genetics (formerly Invitae), Labcorp
Classification: Uncertain significance for STING-associated vasculopathy with onset in infancy. Last evaluated: 2025-07-28. Review status: criteria provided, single submitter. Criteria: Invitae Variant Classification Sherloc (09022015). Collection method: clinical testing. Allele origin: germline.
Comment: This sequence change replaces arginine, which is basic and polar, with glutamine, which is neutral and polar, at codon 180 of the TMEM173 protein (p.Arg180Gln). This variant is present in population databases (no rsID available, gnomAD 0.02%). This variant has not been reported in the literature in individuals affected with TMEM173-related conditions. ClinVar contains an entry for this variant (Variation ID: 1063787). Invitae Evidence Modeling of protein sequence and biophysical properties (such as structural, functional, and spatial information, amino acid conservation, physicochemical variation, residue mobility, and thermodynamic stability) indicates that this missense variant is not expected to disrupt TMEM173 protein function with a negative predictive value of 80%. Experimental studies are conflicting or provide insufficient evidence to determine the effect of this variant on TMEM173 function (PMID: 29367762). In summary, the available evidence is currently insufficient to determine the role of this variant in disease. Therefore, it has been classified as a Variant of Uncertain Significance.

Ambry Genetics
Classification: Likely benign for Inborn genetic diseases. Last evaluated: 2021-10-22. Review status: criteria provided, single submitter. Criteria: Ambry Variant Classification Scheme 2023. Collection method: clinical testing. Allele origin: germline.

Literature cited by the submitters: PubMed 29367762 (cited by Labcorp Genetics (formerly Invitae), Labcorp).

NM_198282.4(STING1):c.539G>A (p.Arg180Gln)

Gene: STING1 (stimulator of interferon response cGAMP interactor 1; minus strand). Cytogenetic location: 5q31.2.
Variant type: single nucleotide variant.
Coding change: c.539G>A on transcript NM_198282.4 (MANE Select); coding-DNA position 539, G replaced by A.
Protein change: p.Arg180Gln; replaces arginine 180 with glutamine.
Molecular consequence: missense variant.
Genome position (GRCh38, 1-based): chr5:139,478,490, C>T on the plus strand (G>A on the coding strand, the complement: STING1 is on the minus strand). VCF-style: chr5-139478490-C-T. GRCh37 (hg19) VCF-style: chr5-138858075-C-T.
Other names: c.539G>A, p.Arg180Gln (NM_001301738.2); c.182G>A, p.Arg61Gln (NM_001367258.1); c.539G>A (NM_198282.2); short protein forms R180Q, R61Q.
Identifiers: ClinVar variation 1063787 (VCV001063787.10), dbSNP rs759123296, ClinGen allele CA361480326.